The following is an entry in ClinVar:

ClinVar aggregate classification (germline): Uncertain significance (1 of 4 stars; one submission).

gnomAD v4.1: 1 of 1,611,704 alleles (0.000062%); no homozygotes.

Submission:

Labcorp Genetics (formerly Invitae), Labcorp
Classification: Uncertain significance. Last evaluated: 2025-02-27. Review status: criteria provided, single submitter. Criteria: Invitae Variant Classification Sherloc (09022015). Collection method: clinical testing. Allele origin: germline.
Comment: This sequence change replaces glycine, which is neutral and non-polar, with tryptophan, which is neutral and slightly polar, at codon 1465 of the LRP5 protein (p.Gly1465Trp). This variant is not present in population databases (gnomAD no frequency). This variant has not been reported in the literature in individuals affected with LRP5-related conditions. Invitae Evidence Modeling of protein sequence and biophysical properties (such as structural, functional, and spatial information, amino acid conservation, physicochemical variation, residue mobility, and thermodynamic stability) has been performed for this missense variant. However, the output from this modeling did not meet the statistical confidence thresholds required to predict the impact of this variant on LRP5 protein function. In summary, the available evidence is currently insufficient to determine the role of this variant in disease. Therefore, it has been classified as a Variant of Uncertain Significance.

NM_002335.4(LRP5):c.4393G>T (p.Gly1465Trp)

Gene: LRP5 (LDL receptor related protein 5; plus strand). Cytogenetic location: 11q13.2.
Variant type: single nucleotide variant.
Coding change: c.4393G>T on transcript NM_002335.4 (MANE Select); coding-DNA position 4393, G replaced by T.
Protein change: p.Gly1465Trp; replaces glycine 1465 with tryptophan.
Molecular consequence: missense variant.
Genome position (GRCh38, 1-based): chr11:68,439,821, G>T. VCF-style: chr11-68439821-G-T. GRCh37 (hg19) VCF-style: chr11-68207289-G-T.
Other names: c.2650G>T, p.Gly884Trp (NM_001291902.2); short protein forms G1465W, G884W.
Identifiers: ClinVar variation 4806994 (VCV004806994.1).